The following is an entry in ClinVar:

ClinVar aggregate classification (germline): Conflicting classifications of pathogenicity. Review status: criteria provided, conflicting classifications (1 of 4 stars). 8 submissions from 8 submitters: Uncertain significance (7); Benign (1). Last evaluated 2026-03-19.

Conditions:
CDH1-related disorder. Also called: CDH1-related condition.
Hereditary cancer-predisposing syndrome. Also called: Tumor predisposition; Neoplastic Syndromes, Hereditary; Hereditary neoplastic syndrome; Hereditary Cancer Syndrome. Identifiers: Orphanet 140162, MedGen C0027672, MeSH D009386, MONDO:0015356.
Hereditary diffuse gastric adenocarcinoma (HDGC). Also called: DIFFUSE GASTRIC AND LOBULAR BREAST CANCER SYNDROME. Identifiers: Orphanet 26106, MedGen C1708349, MONDO:0007648, OMIM 137215.
Familial cancer of breast. Also called: BREAST CANCER, FAMILIAL; Hereditary breast cancer; hereditary breast carcinoma. Identifiers: Orphanet 227535, MedGen C0346153, MONDO:0016419, OMIM 114480. Disease mechanism: loss of function.

Allele frequency attached by ClinVar (database versions not stated): gnomAD exomes 0.00001; gnomAD 0.00002; TOPMed 0.00002.

Submissions (8):

Ambry Genetics
Classification: Benign for Hereditary cancer-predisposing syndrome. Last evaluated: 2026-03-19. Review status: criteria provided, single submitter. Criteria: Ambry Variant Classification Scheme 2023. Collection method: clinical testing. Allele origin: germline.

PreventionGenetics, part of Exact Sciences
Classification: Uncertain significance for CDH1-related condition. Last evaluated: 2026-01-27. Review status: criteria provided, single submitter. Criteria: ACMG Guidelines, 2015. Collection method: clinical testing. Allele origin: germline.
Comment: The CDH1 c.325A>C variant is predicted to result in the amino acid substitution p.Lys109Gln. This variant has been reported in the literature in an individual with breast cancer (Tung et al. 2014. PubMed ID: 25186627). This variant is reported in 0.0065% of alleles in individuals of European (Non-Finnish) descent in gnomAD. This variant is interpreted as uncertain in ClinVar (Variation ID: 141801). At this time, the clinical significance of this variant is uncertain due to the absence of conclusive functional and genetic evidence.

Labcorp Genetics (formerly Invitae), Labcorp
Classification: Uncertain significance for Hereditary diffuse gastric adenocarcinoma. Last evaluated: 2025-01-22. Review status: criteria provided, single submitter. Criteria: Invitae Variant Classification Sherloc (09022015). Collection method: clinical testing. Allele origin: germline.
Comment: This sequence change replaces lysine, which is basic and polar, with glutamine, which is neutral and polar, at codon 109 of the CDH1 protein (p.Lys109Gln). This variant is present in population databases (rs587782023, gnomAD 0.007%). This variant has not been reported in the literature in individuals affected with CDH1-related conditions. ClinVar contains an entry for this variant (Variation ID: 141801). An algorithm developed to predict the effect of missense changes on protein structure and function (PolyPhen-2) suggests that this variant is likely to be disruptive. In summary, the available evidence is currently insufficient to determine the role of this variant in disease. Therefore, it has been classified as a Variant of Uncertain Significance.

Baylor Genetics
Classification: Uncertain significance for Familial cancer of breast. Last evaluated: 2023-08-03. Review status: criteria provided, single submitter. Criteria: ACMG Guidelines, 2015. Collection method: clinical testing. Allele origin: unknown.

Quest Diagnostics Nichols Institute San Juan Capistrano
Classification: Uncertain significance. Last evaluated: 2023-05-09. Review status: criteria provided, single submitter. Criteria: Quest Diagnostics criteria. Collection method: clinical testing. Allele origin: unknown.
Comment: The frequency of this variant in the general population, 0.000032 (1/31376 chromosomes), is uninformative in assessment of its pathogenicity. In the published literature, this variant has been reported in an individual with breast cancer (PMID: 25186627 (2015)). Analysis of this variant using bioinformatics tools for the prediction of the effect of amino acid changes on protein structure and function yielded conflicting predictions that this variant is benign or damaging. Based on the available information, we are unable to determine the clinical significance of this variant.

Sema4
Classification: Uncertain significance for Hereditary cancer-predisposing syndrome. Last evaluated: 2021-12-08. Review status: criteria provided, single submitter. Criteria: Sema4 Curation Guidelines. Collection method: curation. Allele origin: germline.
Comment: The CDH1 c.325A>C (p.K109Q) variant has not been reported in the literature to our knowledge. It was observed in 1/15416 chromosomes of the Non-Finnish European (NFE) subpopulation in the large and broad cohorts of the Genome Aggregation Database (PMID: 32461654). This variant has been reported in ClinVar (Variation ID 141801). Functional studies have not been performed, and in silico predictions of the variant's effect on protein function are inconclusive. The evidence is insufficient to meet ACMG/AMP criteria for classifying the variant as benign or pathogenic. Thus, the clinical significance of this variant is currently uncertain.

Color Diagnostics, LLC DBA Color Health
Classification: Uncertain significance for Hereditary cancer-predisposing syndrome. Last evaluated: 2021-07-27. Review status: criteria provided, single submitter. Criteria: ACMG Guidelines, 2015. Collection method: clinical testing. Allele origin: germline.
Comment: This missense variant replaces lysine with glutamine at codon 109 of the CDH1 protein. To our knowledge, functional studies have not been reported for this variant. This variant has not been reported in individuals affected with hereditary cancer in the literature. This variant has been identified in 1/31376 chromosomes in the general population by the Genome Aggregation Database (gnomAD). The available evidence is insufficient to determine the role of this variant in disease conclusively. Therefore, this variant is classified as a Variant of Uncertain Significance.

GeneDx
Classification: Uncertain significance. Last evaluated: 2021-04-19. Review status: criteria provided, single submitter. Criteria: GeneDx Variant Classification Process June 2021. Collection method: clinical testing. Allele origin: germline. Affected: yes.
Comment: Not observed at a significant frequency in large population cohorts (Lek 2016); In silico analysis supports that this missense variant does not alter protein structure/function; Has not been previously published as pathogenic or benign to our knowledge

Literature cited by the submitters: PubMed 25186627 (cited by Ambry Genetics and Quest Diagnostics Nichols Institute San Juan Capistrano).

NM_004360.5(CDH1):c.325A>C (p.Lys109Gln)

Gene: CDH1 (cadherin 1; plus strand). Cytogenetic location: 16q22.1.
Variant type: single nucleotide variant.
Coding change: c.325A>C on transcript NM_004360.5 (MANE Select); coding-DNA position 325, A replaced by C.
Protein change: p.Lys109Gln; replaces lysine 109 with glutamine.
Molecular consequence: missense variant. On other transcripts: 5 prime UTR variant (2).
Genome position (GRCh38, 1-based): chr16:68,801,831, A>C. VCF-style: chr16-68801831-A-C. GRCh37 (hg19) VCF-style: chr16-68835734-A-C.
Other names: c.325A>C (LRG_301t1); c.325A>C, p.Lys109Gln (NM_001317184.2); c.-1291A>C (NM_001317185.2); c.-1495A>C (NM_001317186.2); short protein forms K109Q.
Identifiers: ClinVar variation 141801 (VCV000141801.30), dbSNP rs587782023, ClinGen allele CA166462.
Genomic context (GRCh38, chr16:68,801,831, plus strand): 5'-CTACGGTTTCATAACCCACAGATCCATTTCTTGGTCTACGCCTGGGACTCCACCTACAGA[A>C]AGTTTTCCACCAAAGTCACGCTGAATACAGTGGGGCACCACCACCGCCCCCCGCCCCATC-3'
Protein context (NP_004351.1, residues 99-119): LVYAWDSTYR[Lys109Gln]FSTKVTLNTV